The following is an entry in ClinVar:

NM_000059.4(BRCA2):c.3785C>A (p.Ser1262Ter)

Gene: BRCA2 (BRCA2 DNA repair associated; plus strand). Cytogenetic location: 13q13.1.
Variant type: single nucleotide variant.
Coding change: c.3785C>A on transcript NM_000059.4 (MANE Select); coding-DNA position 3785, C replaced by A.
Protein change: p.Ser1262Ter; replaces serine 1262 with a stop codon.
Molecular consequence: nonsense.
Genome position (GRCh38, 1-based): chr13:32,338,140, C>A. VCF-style: chr13-32338140-C-A. GRCh37 (hg19) VCF-style: chr13-32912277-C-A.
Other names: short protein forms S1262*.
Identifiers: ClinVar variation 824204 (VCV000824204.14), dbSNP rs80358620, ClinGen allele CA387778343.

ClinVar aggregate classification (germline): Pathogenic. Review status: criteria provided, multiple submitters, no conflicts (2 of 4 stars). 4 submissions from 4 submitters: Pathogenic (3). 1 of the submissions does not count toward it. Last evaluated 2025-10-09.

Conditions:
Hereditary cancer-predisposing syndrome. Also called: Neoplastic Syndromes, Hereditary; Tumor predisposition; Hereditary neoplastic syndrome; Hereditary Cancer Syndrome. Identifiers: Orphanet 140162, MedGen C0027672, MeSH D009386, MONDO:0015356.
Hereditary breast ovarian cancer syndrome. Also called: Hereditary breast and ovarian cancer syndrome; Hereditary breast and ovarian cancer; Hereditary breast and ovarian cancer syndrome (HBOC); Breast and ovarian cancer; Hereditary breast and/or ovarian cancer syndrome; BRCA1- and BRCA2-Associated Hereditary Breast and Ovarian Cancer. Identifiers: Orphanet 145, MedGen C0677776, MeSH D061325, MONDO:0003582. Disease mechanism: loss of function.

gnomAD v4.1: 1 of 1,602,562 alleles (0.000062%); highest among the groups gnomAD compares: South Asian, 0.0011%; no homozygotes.

Submissions (4):

Ambry Genetics
Classification: Pathogenic for Hereditary cancer-predisposing syndrome. Last evaluated: 2025-10-09. Review status: criteria provided, single submitter. Criteria: Ambry Variant Classification Scheme 2023. Collection method: clinical testing. Allele origin: germline.
Comment: The p.S1262* pathogenic mutation (also known as c.3785C>A), located in coding exon 10 of the BRCA2 gene, results from a C to A substitution at nucleotide position 3785. This changes the amino acid from a serine to a stop codon within coding exon 10. This alteration has been identified in a French hereditary breast and/or ovarian cancer cohort (Coulet F et al. Genet Test Mol Biomarkers 2010 Oct;14(5):677-90). This alteration is expected to result in loss of function by premature protein truncation or nonsense-mediated mRNA decay. As such, this alteration is interpreted as a disease-causing mutation.

Labcorp Genetics (formerly Invitae), Labcorp
Classification: Pathogenic for Hereditary breast ovarian cancer syndrome. Last evaluated: 2025-08-09. Review status: criteria provided, single submitter. Criteria: Invitae Variant Classification Sherloc (09022015). Collection method: clinical testing. Allele origin: germline.
Comment: This sequence change creates a premature translational stop signal (p.Ser1262*) in the BRCA2 gene. It is expected to result in an absent or disrupted protein product. Loss-of-function variants in BRCA2 are known to be pathogenic (PMID: 20104584). This variant is not present in population databases (gnomAD no frequency). This variant has not been reported in the literature in individuals affected with BRCA2-related conditions. ClinVar contains an entry for this variant (Variation ID: 824204). For these reasons, this variant has been classified as Pathogenic.

GeneDx
Classification: Pathogenic. Last evaluated: 2019-05-07. Review status: criteria provided, single submitter. Criteria: GeneDx Variant Classification Process June 2021. Collection method: clinical testing. Allele origin: germline. Affected: yes.
Comment: Nonsense variant predicted to result in protein truncation or nonsense mediated decay in a gene for which loss-of-function is a known mechanism of disease; Not observed in large population cohorts (Lek et al., 2016); This variant is associated with the following publications: (PMID: 28127413, 23479189, 20033483)

Department of Pathology and Laboratory Medicine, Sinai Health System
Classification: Uncertain significance. Review status: no assertion criteria provided. Collection method: clinical testing. Allele origin: unknown. Affected: yes. Observed: 2 variant alleles. Study: The Canadian Open Genetics Repository (COGR). Not counted in ClinVar's aggregate classification.

Literature cited by the submitters: PubMed 20104584 (cited by Labcorp Genetics (formerly Invitae), Labcorp).